The following is an entry in ClinVar:

ClinVar aggregate classification (germline): Pathogenic (1 of 4 stars; one submission).

Conditions:
Familial infantile myasthenia (CMS6). Also called: MYASTHENIC SYNDROME, PRESYNAPTIC, CONGENITAL, ASSOCIATED WITH EPISODIC APNEA; Congenital myasthenic syndrome type 6; MYASTHENIC SYNDROME, CONGENITAL, 6, PRESYNAPTIC. Identifiers: Orphanet 590, MedGen C0393929, MONDO:0009689, OMIM 254210.

Submission:

Labcorp Genetics (formerly Invitae), Labcorp
Classification: Pathogenic for Familial infantile myasthenia. Last evaluated: 2025-06-03. Review status: criteria provided, single submitter. Criteria: Invitae Variant Classification Sherloc (09022015). Collection method: clinical testing. Allele origin: germline.
Comment: This sequence change creates a premature translational stop signal (p.Gln168*) in the CHAT gene. It is expected to result in an absent or disrupted protein product. Loss-of-function variants in CHAT are known to be pathogenic (PMID: 12548525, 21786365, 23292760). This variant is not present in population databases (gnomAD no frequency). This variant has not been reported in the literature in individuals affected with CHAT-related conditions. For these reasons, this variant has been classified as Pathogenic.

Literature cited by the submitters: PubMed 12548525; PubMed 21786365; PubMed 23292760.

NM_020549.5(CHAT):c.502C>T (p.Gln168Ter)

Gene: CHAT (choline O-acetyltransferase; plus strand). Cytogenetic location: 10q11.23.
Variant type: single nucleotide variant.
Coding change: c.502C>T on transcript NM_020549.5 (MANE Select); coding-DNA position 502, C replaced by T.
Protein change: p.Gln168Ter; replaces glutamine 168 with a stop codon.
Molecular consequence: nonsense.
Genome position (GRCh38, 1-based): chr10:49,619,839, C>T. VCF-style: chr10-49619839-C-T. GRCh37 (hg19) VCF-style: chr10-50827885-C-T.
Other names: c.148C>T, p.Gln50Ter (NM_001142929.2, NM_001142934.2, NM_020984.4 and 2 more transcripts); c.256C>T, p.Gln86Ter (NM_001142933.2); short protein forms Q168*, Q50*, Q86*.
Identifiers: ClinVar variation 4764262 (VCV004764262.1).